The following is an entry in ClinVar:

NM_000038.6(APC):c.1476C>G (p.His492Gln)

Gene: APC (APC regulator of Wnt signaling pathway; plus strand). Cytogenetic location: 5q22.2.
Variant type: single nucleotide variant.
Coding change: c.1476C>G on transcript NM_000038.6 (MANE Select); coding-DNA position 1476, C replaced by G.
Protein change: p.His492Gln; replaces histidine 492 with glutamine.
Molecular consequence: missense variant.
Genome position (GRCh38, 1-based): chr5:112,827,175, C>G. VCF-style: chr5-112827175-C-G. GRCh37 (hg19) VCF-style: chr5-112162872-C-G.
Other names: c.1476C>G (NM_000038.5); c.1476C>G, p.His492Gln (NM_001127510.3, NM_001354895.2, NM_001407450.1); c.1422C>G, p.His474Gln (NM_001127511.3); c.1530C>G, p.His510Gln (NM_001354896.2, NM_001407447.1, NM_001407448.1 and 1 more transcripts); c.1506C>G, p.His502Gln (NM_001354897.2); c.1401C>G, p.His467Gln (NM_001354898.2); c.1392C>G, p.His464Gln (NM_001354899.2); c.1353C>G, p.His451Gln (NM_001354900.2); and 12 more; short protein forms H108Q, H209Q, H332Q, H363Q, H366Q, H391Q, H401Q, H409Q.
Identifiers: ClinVar variation 3626349 (VCV003626349.3).

ClinVar aggregate classification (germline): Uncertain significance. Review status: criteria provided, multiple submitters, no conflicts (2 of 4 stars). 2 submissions from 2 submitters: Uncertain significance (2). Last evaluated 2025-03-13.

Conditions:
Hereditary cancer-predisposing syndrome. Also called: Tumor predisposition; Hereditary neoplastic syndrome; Neoplastic Syndromes, Hereditary; Hereditary Cancer Syndrome. Identifiers: Orphanet 140162, MedGen C0027672, MeSH D009386, MONDO:0015356.
Familial adenomatous polyposis 1 (FAP1). Also called: FAMILIAL ADENOMATOUS POLYPOSIS 1, ATTENUATED; POLYPOSIS, ADENOMATOUS INTESTINAL. Identifiers: MedGen C2713442, MONDO:0021056, OMIM 175100. Disease mechanism: loss of function.

Submissions (2):

Ambry Genetics
Classification: Uncertain significance for Hereditary cancer-predisposing syndrome. Last evaluated: 2025-03-13. Review status: criteria provided, single submitter. Criteria: Ambry Variant Classification Scheme 2023. Collection method: clinical testing. Allele origin: germline.
Comment: The p.H492Q variant (also known as c.1476C>G), located in coding exon 11 of the APC gene, results from a C to G substitution at nucleotide position 1476. The histidine at codon 492 is replaced by glutamine, an amino acid with highly similar properties. This amino acid position is highly conserved in available vertebrate species. In addition, in silico predictors for this gene do not accurately predict pathogenicity. Missense alterations in APC are not a common cause of disease (Spier I et al. Genet Med. 2024 Feb;26(2):100992). Based on the available evidence, the clinical significance of this variant remains unclear.

Labcorp Genetics (formerly Invitae), Labcorp
Classification: Uncertain significance for Familial adenomatous polyposis 1. Last evaluated: 2024-07-27. Review status: criteria provided, single submitter. Criteria: Invitae Variant Classification Sherloc (09022015). Collection method: clinical testing. Allele origin: germline.
Comment: This sequence change replaces histidine, which is basic and polar, with glutamine, which is neutral and polar, at codon 492 of the APC protein (p.His492Gln). This variant is not present in population databases (gnomAD no frequency). This variant has not been reported in the literature in individuals affected with APC-related conditions. Advanced modeling of protein sequence and biophysical properties (such as structural, functional, and spatial information, amino acid conservation, physicochemical variation, residue mobility, and thermodynamic stability) performed at Invitae indicates that this missense variant is not expected to disrupt APC protein function with a negative predictive value of 95%. In summary, the available evidence is currently insufficient to determine the role of this variant in disease. Therefore, it has been classified as a Variant of Uncertain Significance.